The following is an entry in ClinVar:

ClinVar aggregate classification (germline): Uncertain significance (1 of 4 stars; one submission).

Conditions:
Hereditary cancer-predisposing syndrome. Also called: Neoplastic Syndromes, Hereditary; Tumor predisposition; Hereditary neoplastic syndrome; Hereditary Cancer Syndrome. Identifiers: Orphanet 140162, MedGen C0027672, MeSH D009386, MONDO:0015356.

gnomAD v4.1: 1 of 1,589,890 alleles (0.000063%); highest among the groups gnomAD compares: South Asian, 0.0011%; no homozygotes.

Submission:

Ambry Genetics
Classification: Uncertain significance for Hereditary cancer-predisposing syndrome. Last evaluated: 2022-11-16. Review status: criteria provided, single submitter. Criteria: Ambry Variant Classification Scheme 2023. Collection method: clinical testing. Allele origin: germline.
Comment: The p.A22V variant (also known as c.65C>T), located in coding exon 1 of the EPCAM gene, results from a C to T substitution at nucleotide position 65. The alanine at codon 22 is replaced by valine, an amino acid with similar properties. This amino acid position is conserved. In addition, this alteration is predicted to be tolerated by in silico analysis. Since supporting evidence is limited at this time, the clinical significance of this alteration remains unclear.

NM_002354.3(EPCAM):c.65C>T (p.Ala22Val)

Gene: EPCAM (epithelial cell adhesion molecule; plus strand). Cytogenetic location: 2p21.
Variant type: single nucleotide variant.
Coding change: c.65C>T on transcript NM_002354.3 (MANE Select); coding-DNA position 65, C replaced by T.
Protein change: p.Ala22Val; replaces alanine 22 with valine.
Molecular consequence: missense variant.
Genome position (GRCh38, 1-based): chr2:47,369,570, C>T. VCF-style: chr2-47369570-C-T. GRCh37 (hg19) VCF-style: chr2-47596709-C-T.
Other names: short protein forms A22V.
Identifiers: ClinVar variation 2452151 (VCV002452151.2), dbSNP rs894237303, ClinGen allele CA46685657.